The following is an entry in ClinVar:

NM_000263.4(NAGLU):c.147del (p.Val50fs)

Genes: NAGLU (N-acetyl-alpha-glucosaminidase; plus strand), LOC130060903 (ATAC-STARR-seq lymphoblastoid silent region 8533; plus strand). Cytogenetic location: 17q21.2.
Variant type: Deletion.
Coding change: c.147del on transcript NM_000263.4 (MANE Select); coding-DNA position 147, one base deleted (C; older notation c.147delC).
Protein change: p.Val50fs; shifts the reading frame from valine 50.
Molecular consequence: frameshift variant.
Genome position (GRCh38, 1-based): chr17:42,536,419, C deleted; the last of 2 consecutive C bases (chr17:42,536,418-42,536,419); deleting either gives the same sequence. VCF-style (leftmost placement, unchanged base first): chr17-42536417-TC-T. GRCh37 (hg19) VCF-style: chr17-40688435-TC-T.
Other names: short protein forms V50fs.
Identifiers: ClinVar variation 2121479 (VCV002121479.4), dbSNP rs2510649972, ClinGen allele CA2580093754.

ClinVar aggregate classification (germline): Pathogenic (1 of 4 stars; one submission).

Conditions:
Charcot-Marie-Tooth disease axonal type 2V. Also called: CHARCOT-MARIE-TOOTH NEUROPATHY, TYPE 2V; CHARCOT-MARIE-TOOTH DISEASE, AXONAL, AUTOSOMAL DOMINANT, TYPE 2V. Identifiers: Orphanet 447964, MedGen C5569050, MONDO:0014665, OMIM 616491.
Mucopolysaccharidosis, MPS-III-B (MPS3B). Also called: N-ACETYL-ALPHA-D-GLUCOSAMINIDASE DEFICIENCY; NAGLU DEFICIENCY; SANFILIPPO SYNDROME B; MPS III B; MUCOPOLYSACCHARIDOSIS, TYPE IIIB; MPS IIIB (Sanfilippo Syndrome Type B). Identifiers: Orphanet 79270, MedGen C0086648, MONDO:0009656, OMIM 252920.

Submission:

Labcorp Genetics (formerly Invitae), Labcorp
Classification: Pathogenic for Charcot-Marie-Tooth disease axonal type 2V; Mucopolysaccharidosis, MPS-III-B. Last evaluated: 2022-04-04. Review status: criteria provided, single submitter. Criteria: Invitae Variant Classification Sherloc (09022015). Collection method: clinical testing. Allele origin: germline.
Comment: For these reasons, this variant has been classified as Pathogenic. This variant has not been reported in the literature in individuals affected with NAGLU-related conditions. This sequence change creates a premature translational stop signal (p.Val50Cysfs*72) in the NAGLU gene. It is expected to result in an absent or disrupted protein product. Loss-of-function variants in NAGLU are known to be pathogenic (PMID: 9832037, 10094189, 16151907). This variant is not present in population databases (gnomAD no frequency).

Literature cited by the submitters: PubMed 9832037; PubMed 10094189; PubMed 16151907.